The following is an entry in ClinVar:

ClinVar aggregate classification (germline): Uncertain significance. Review status: criteria provided, multiple submitters, no conflicts (2 of 4 stars). 7 submissions from 6 submitters: Uncertain significance (6). 1 of the submissions does not count toward it. Last evaluated 2023-11-04.

Conditions:
Retinitis pigmentosa 39 (RP39). Identifiers: Orphanet 791, MedGen C3151138, MONDO:0013436, OMIM 613809.
Usher syndrome type 2A. Also called: RETINAL DISEASE IN USHER SYNDROME TYPE IIA, MODIFIER OF; USHER SYNDROME, TYPE IIA. Identifiers: Orphanet 231178, Orphanet 886, MedGen C1848634, MONDO:0010169, OMIM 276901.

Allele frequency attached by ClinVar (database versions not stated): ExAC 0.00005; TOPMed 0.00006; gnomAD 0.00009 and 0.00010; ESP Exome Variant Server 0.00015.
gnomAD v4.1: 91 of 1,613,996 alleles (0.0056%); highest among the groups gnomAD compares: Middle Eastern, 0.016%; no homozygotes.

Submissions (7):

Genome-Nilou Lab
Classification: Uncertain significance for Retinitis pigmentosa 39. Last evaluated: 2023-11-04. Review status: criteria provided, single submitter. Criteria: ACMG Guidelines, 2015. Collection method: clinical testing. Allele origin: germline. Affected: no.

Genome-Nilou Lab
Classification: Uncertain significance for Usher syndrome type 2A. Last evaluated: 2023-11-04. Review status: criteria provided, single submitter. Criteria: ACMG Guidelines, 2015. Collection method: clinical testing. Allele origin: germline. Affected: no.

GeneDx
Classification: Uncertain significance. Last evaluated: 2023-07-27. Review status: criteria provided, single submitter. Criteria: GeneDx Variant Classification Process June 2021. Collection method: clinical testing. Allele origin: germline. Affected: yes.
Comment: Reported with a second variant (phase unknown) in a patient with retinitis pigmentosa in published literature (Zhu et al., 2020); In silico analysis supports that this missense variant has a deleterious effect on protein structure/function; This variant is associated with the following publications: (PMID: 32675063)

Blueprint Genetics
Classification: Uncertain significance. Last evaluated: 2022-12-12. Review status: criteria provided, single submitter. Criteria: ACMG Guidelines, 2015. Collection method: clinical testing. Allele origin: germline.

Labcorp Genetics (formerly Invitae), Labcorp
Classification: Uncertain significance. Last evaluated: 2022-06-20. Review status: criteria provided, single submitter. Criteria: Invitae Variant Classification Sherloc (09022015). Collection method: clinical testing. Allele origin: germline.
Comment: This sequence change replaces asparagine, which is neutral and polar, with serine, which is neutral and polar, at codon 4856 of the USH2A protein (p.Asn4856Ser). This variant is present in population databases (rs139799843, gnomAD 0.04%). This missense change has been observed in individual(s) with USH2A-related conditions (PMID: 32675063). ClinVar contains an entry for this variant (Variation ID: 1005570). Algorithms developed to predict the effect of missense changes on protein structure and function are either unavailable or do not agree on the potential impact of this missense change (SIFT: "Tolerated"; PolyPhen-2: "Probably Damaging"; Align-GVGD: "Class C0"). Algorithms developed to predict the effect of sequence changes on RNA splicing suggest that this variant may create or strengthen a splice site. In summary, the available evidence is currently insufficient to determine the role of this variant in disease. Therefore, it has been classified as a Variant of Uncertain Significance.

Juno Genomics, Hangzhou Juno Genomics, Inc
Classification: Uncertain significance for Retinitis pigmentosa 39; Usher syndrome type 2A. Review status: criteria provided, single submitter. Criteria: ACMG Guidelines, 2015. Collection method: clinical testing. Allele origin: germline.
Comment: Absent from controls (or at extremely low frequency if recessive) in Genome Aggregation Database.

Natera, Inc.
Classification: Uncertain significance for Usher syndrome type 2A. Last evaluated: 2020-02-13. Review status: no assertion criteria provided. Collection method: clinical testing. Allele origin: germline. Not counted in ClinVar's aggregate classification.

Literature cited by the submitters: PubMed 32675063 (cited by Labcorp Genetics (formerly Invitae), Labcorp).

NM_206933.4(USH2A):c.14567A>G (p.Asn4856Ser)

Gene: USH2A (usherin; minus strand). Cytogenetic location: 1q41.
Variant type: single nucleotide variant.
Coding change: c.14567A>G on transcript NM_206933.4 (MANE Select); coding-DNA position 14567, A replaced by G.
Protein change: p.Asn4856Ser; replaces asparagine 4856 with serine.
Molecular consequence: missense variant.
Genome position (GRCh38, 1-based): chr1:215,648,543, T>C on the plus strand (A>G on the coding strand, the complement: USH2A is on the minus strand). VCF-style: chr1-215648543-T-C. GRCh37 (hg19) VCF-style: chr1-215821885-T-C.
Other names: c.14567A>G (NM_206933.2); short protein forms N4856S.
Identifiers: ClinVar variation 1005570 (VCV001005570.8), dbSNP rs139799843, ClinGen allele CA1392994.